The following is an entry in ClinVar:

NM_001128840.3(CACNA1D):c.2058C>G (p.Ser686Arg)

Gene: CACNA1D (calcium voltage-gated channel subunit alpha1 D; plus strand). Cytogenetic location: 3p21.1.
Variant type: single nucleotide variant.
Coding change: c.2058C>G on transcript NM_001128840.3 (MANE Select); coding-DNA position 2058, C replaced by G.
Protein change: p.Ser686Arg; replaces serine 686 with arginine.
Molecular consequence: missense variant.
Genome position (GRCh38, 1-based): chr3:53,723,957, C>G. VCF-style: chr3-53723957-C-G. GRCh37 (hg19) VCF-style: chr3-53757984-C-G.
Other names: c.2118C>G, p.Ser706Arg (NM_000720.4); c.2058C>G, p.Ser686Arg (NM_001128839.3); short protein forms S686R, S706R.
Identifiers: ClinVar variation 2979796 (VCV002979796.3), dbSNP rs1188331423, ClinGen allele CA353238219.

ClinVar aggregate classification (germline): Uncertain significance (1 of 4 stars; one submission).

Submission:

Labcorp Genetics (formerly Invitae), Labcorp
Classification: Uncertain significance. Last evaluated: 2023-06-06. Review status: criteria provided, single submitter. Criteria: Invitae Variant Classification Sherloc (09022015). Collection method: clinical testing. Allele origin: germline.
Comment: In summary, the available evidence is currently insufficient to determine the role of this variant in disease. Therefore, it has been classified as a Variant of Uncertain Significance. Advanced modeling of protein sequence and biophysical properties (such as structural, functional, and spatial information, amino acid conservation, physicochemical variation, residue mobility, and thermodynamic stability) has been performed at Invitae for this missense variant, however the output from this modeling did not meet the statistical confidence thresholds required to predict the impact of this variant on CACNA1D protein function. This variant has not been reported in the literature in individuals affected with CACNA1D-related conditions. This variant is not present in population databases (gnomAD no frequency). This sequence change replaces serine, which is neutral and polar, with arginine, which is basic and polar, at codon 706 of the CACNA1D protein (p.Ser706Arg).